The following is an entry in ClinVar:

ClinVar aggregate classification (germline): Likely benign. Review status: criteria provided, multiple submitters, no conflicts (2 of 4 stars). 2 submissions from 2 submitters: Likely benign (2). Last evaluated 2024-11-01.

Conditions:
Werner syndrome (WRN). Identifiers: Orphanet 902, MedGen C0043119, MONDO:0010196, OMIM 277700.

Allele frequency attached by ClinVar (database versions not stated): gnomAD exomes below 0.00001; gnomAD 0.00001; TOPMed 0.00003.
gnomAD v4.1: 7 of 1,613,482 alleles (0.00043%); highest among the groups gnomAD compares: Non-Finnish European, 0.00059%; no homozygotes.

Submissions (2):

CeGaT Center for Human Genetics Tuebingen
Classification: Likely benign. Last evaluated: 2024-11-01. Review status: criteria provided, single submitter. Criteria: CeGaT Center For Human Genetics Tuebingen Variant Classification Criteria Version 2. Collection method: clinical testing. Allele origin: germline. Affected: yes. Observed: 1 variant allele.
Comment: WRN: BP4, BP7

Labcorp Genetics (formerly Invitae), Labcorp
Classification: Likely benign for Werner syndrome. Last evaluated: 2024-10-22. Review status: criteria provided, single submitter. Criteria: Invitae Variant Classification Sherloc (09022015). Collection method: clinical testing. Allele origin: germline.

NM_000553.6(WRN):c.3399A>G (p.Ser1133=)

Gene: WRN (WRN RecQ like helicase; plus strand). Cytogenetic location: 8p12.
Variant type: single nucleotide variant.
Coding change: c.3399A>G on transcript NM_000553.6 (MANE Select); coding-DNA position 3399, A replaced by G.
Protein change: p.Ser1133=; no amino-acid change (serine 1133 retained).
Molecular consequence: synonymous variant.
Genome position (GRCh38, 1-based): chr8:31,147,068, A>G. VCF-style: chr8-31147068-A-G. GRCh37 (hg19) VCF-style: chr8-31004584-A-G.
Identifiers: ClinVar variation 702670 (VCV000702670.23), dbSNP rs1206320441, ClinGen allele CA460223928.